The following is an entry in ClinVar:

ClinVar aggregate classification (germline): Uncertain significance (1 of 4 stars; one submission).

Submission:

CeGaT Center for Human Genetics Tuebingen
Classification: Uncertain significance. Last evaluated: 2025-08-01. Review status: criteria provided, single submitter. Criteria: CeGaT Center For Human Genetics Tuebingen Variant Classification Criteria Version 2. Collection method: clinical testing. Allele origin: germline. Affected: yes. Observed: 1 variant allele.
Comment: CREBBP: PM2, PP2, PP3

NM_004380.3(CREBBP):c.1985A>C (p.Gln662Pro)

Gene: CREBBP (CREB binding lysine acetyltransferase; minus strand). Cytogenetic location: 16p13.3.
Variant type: single nucleotide variant.
Coding change: c.1985A>C on transcript NM_004380.3 (MANE Select); coding-DNA position 1985, A replaced by C.
Protein change: p.Gln662Pro; replaces glutamine 662 with proline.
Molecular consequence: missense variant.
Genome position (GRCh38, 1-based): chr16:3,778,139, T>G on the plus strand (A>C on the coding strand, the complement: CREBBP is on the minus strand). VCF-style: chr16-3778139-T-G. GRCh37 (hg19) VCF-style: chr16-3828140-T-G.
Other names: c.1871A>C, p.Gln624Pro (NM_001079846.1); short protein forms Q624P, Q662P.
Identifiers: ClinVar variation 4084360 (VCV004084360.8).
Genomic context (GRCh38, chr16:3,778,139, plus strand): 5'-TGGTTCCCCAAGATGCCTTGTTTATGTAAACGCGACCTCCGTTTTTCTTCTAGTTCTTTT[T>G]GTATCTTGTAGATTTTCTCTGCTAATAAGTGATAATATTCATCCTAAAAAGCAATAATAT-3'
Protein context (NP_004371.2, residues 652-672): HLLAEKIYKI[Gln662Pro]KELEEKRRSR